The following is an entry in ClinVar:

NM_002979.5(SCP2):c.1319T>C (p.Ile440Thr)

Gene: SCP2 (sterol carrier protein 2; plus strand). Cytogenetic location: 1p32.3.
Variant type: single nucleotide variant.
Coding change: c.1319T>C on transcript NM_002979.5 (MANE Select); coding-DNA position 1319, T replaced by C.
Protein change: p.Ile440Thr; replaces isoleucine 440 with threonine.
Molecular consequence: missense variant.
Genome position (GRCh38, 1-based): chr1:53,028,052, T>C. VCF-style: chr1-53028052-T-C. GRCh37 (hg19) VCF-style: chr1-53493724-T-C.
Other names: c.107T>C, p.Ile36Thr (NM_001007099.3, NM_001007250.3); c.98T>C, p.Ile33Thr (NM_001007100.3); c.1247T>C, p.Ile416Thr (NM_001193599.2); c.1187T>C, p.Ile396Thr (NM_001193600.2); c.1076T>C, p.Ile359Thr (NM_001193617.2); short protein forms I440T, I36T, I359T, I396T, I416T, I33T.
Identifiers: ClinVar variation 1960732 (VCV001960732.3), dbSNP rs1401915573, ClinGen allele CA340377557.

ClinVar aggregate classification (germline): Uncertain significance (1 of 4 stars; one submission).

Allele frequency attached by ClinVar (database versions not stated): gnomAD exomes below 0.00001.
gnomAD v4.1: 2 of 1,599,830 alleles (0.00013%); highest among the groups gnomAD compares: Non-Finnish European, 0.000086%; no homozygotes.

Submission:

Labcorp Genetics (formerly Invitae), Labcorp
Classification: Uncertain significance. Last evaluated: 2022-08-09. Review status: criteria provided, single submitter. Criteria: Invitae Variant Classification Sherloc (09022015). Collection method: clinical testing. Allele origin: germline.
Comment: In summary, the available evidence is currently insufficient to determine the role of this variant in disease. Therefore, it has been classified as a Variant of Uncertain Significance. Algorithms developed to predict the effect of missense changes on protein structure and function are either unavailable or do not agree on the potential impact of this missense change (SIFT: "Deleterious"; PolyPhen-2: "Probably Damaging"; Align-GVGD: "Class C0"). This variant has not been reported in the literature in individuals affected with SCP2-related conditions. This variant is present in population databases (no rsID available, gnomAD 0.0009%). This sequence change replaces isoleucine, which is neutral and non-polar, with threonine, which is neutral and polar, at codon 440 of the SCP2 protein (p.Ile440Thr).